The following is an entry in ClinVar:

ClinVar aggregate classification (germline): Uncertain significance (1 of 4 stars; one submission).

Conditions:
Emery-Dreifuss muscular dystrophy 5, autosomal dominant (EDMD5). Also called: EMERY-DREIFUSS MUSCULAR DYSTROPHY 5. Identifiers: Orphanet 261, MedGen C2751805, MONDO:0013072, OMIM 612999.

Allele frequency attached by ClinVar (database versions not stated): TOPMed 0.00002; ExAC 0.00003; gnomAD 0.00003 and 0.00004; gnomAD exomes 0.00003.
gnomAD v4.1: 23 of 1,611,126 alleles (0.0014%); highest among the groups gnomAD compares: Middle Eastern, 0.016%; 1 homozygote.

Submission:

Labcorp Genetics (formerly Invitae), Labcorp
Classification: Uncertain significance for Emery-Dreifuss muscular dystrophy 5, autosomal dominant. Last evaluated: 2025-02-08. Review status: criteria provided, single submitter. Criteria: Invitae Variant Classification Sherloc (09022015). Collection method: clinical testing. Allele origin: germline.
Comment: This sequence change replaces arginine, which is basic and polar, with histidine, which is basic and polar, at codon 4636 of the SYNE2 protein (p.Arg4636His). This variant is present in population databases (rs752745004, gnomAD 0.03%). This variant has not been reported in the literature in individuals affected with SYNE2-related conditions. ClinVar contains an entry for this variant (Variation ID: 1508364). An algorithm developed to predict the effect of missense changes on protein structure and function outputs the following: PolyPhen-2: "Benign". The histidine amino acid residue is found in multiple mammalian species, which suggests that this missense change does not adversely affect protein function. In summary, the available evidence is currently insufficient to determine the role of this variant in disease. Therefore, it has been classified as a Variant of Uncertain Significance.

NM_182914.3(SYNE2):c.13907G>A (p.Arg4636His)

Gene: SYNE2 (spectrin repeat containing nuclear envelope protein 2; plus strand). Cytogenetic location: 14q23.2.
Variant type: single nucleotide variant.
Coding change: c.13907G>A on transcript NM_182914.3 (MANE Select); coding-DNA position 13907, G replaced by A.
Protein change: p.Arg4636His; replaces arginine 4636 with histidine.
Molecular consequence: missense variant.
Genome position (GRCh38, 1-based): chr14:64,126,797, G>A. VCF-style: chr14-64126797-G-A. GRCh37 (hg19) VCF-style: chr14-64593515-G-A.
Other names: c.13907G>A, p.Arg4636His (NM_015180.6); short protein forms R4636H.
Identifiers: ClinVar variation 1508364 (VCV001508364.6), dbSNP rs752745004, ClinGen allele CA7222601.
Genomic context (GRCh38, chr14:64,126,797, plus strand): 5'-ACACTCAGGCTGCAGCTGTCTGTAGAAGCAAGTCCCTGAAAGCTGGCCTCGATTACAACC[G>A]CAGTTACCAGGTATGATTCCGAGCACACAGCCTATTTTGGCACTGTTTTAAGTTACAGCA-3'
Protein context (NP_878918.2, residues 4626-4646): KSLKAGLDYN[Arg4636His]SYQNEIKRLY